The following is an entry in ClinVar:

ClinVar aggregate classification (germline): Likely benign (1 of 4 stars; one submission).

Submission:

CeGaT Center for Human Genetics Tuebingen
Classification: Likely benign. Last evaluated: 2022-11-01. Review status: criteria provided, single submitter. Criteria: CeGaT Center For Human Genetics Tuebingen Variant Classification Criteria Version 2. Collection method: clinical testing. Allele origin: germline. Affected: yes. Observed: 1 variant allele.
Comment: EFHC1: BS2

NM_018100.4(EFHC1):c.*1025AT[17]

Gene: EFHC1 (EF-hand domain containing 1; plus strand). Cytogenetic location: 6p12.2.
Variant type: Microsatellite.
Coding change: c.*1025AT[17] on transcript NM_018100.4 (MANE Select); 17 copies in a row of the 2-base unit AT starting at c.*1025; the reference has ten copies in a row; seven copies, 14 bases duplicated.
Molecular consequence: 3 prime UTR variant. On other transcripts: non-coding transcript variant (1).
Genome position (GRCh38, 1-based): chr6:52,493,372-52,493,385, ATATATATATATAT duplicated; duplicating any 14 consecutive bases within chr6:52,493,366-52,493,385 gives the same sequence; the position shown is the placement nearest the transcript's 3' end. VCF-style (leftmost placement, unchanged base first): chr6-52493365-C-CATATATATATATAT. GRCh37 (hg19) VCF-style: chr6-52358163-C-CATATATATATATAT.
Other names: c.*1025AT[17] (NM_001172420.2).
Identifiers: ClinVar variation 2656641 (VCV002656641.24), dbSNP rs59794069, ClinGen allele CA825769413.